The following is an entry in ClinVar:

ClinVar aggregate classification (germline): Likely pathogenic (1 of 4 stars; one submission).

Conditions:
Duchenne muscular dystrophy (DMD). Also called: MUSCULAR DYSTROPHY, PSEUDOHYPERTROPHIC PROGRESSIVE, DUCHENNE TYPE; Duchenne Muscular Dystrophy (DMD). Identifiers: Orphanet 98896, MedGen C0013264, MONDO:0010679, OMIM 310200.

Submission:

Laboratory of Medical Genetics, National & Kapodistrian University of Athens
Classification: Likely pathogenic for Duchenne muscular dystrophy. Last evaluated: 2022-12-16. Review status: criteria provided, single submitter. Criteria: ACMG Guidelines, 2015. Collection method: clinical testing. Allele origin: germline. Affected: yes.
Comment: PVS1, PM2

NM_004006.3(DMD):c.9224+2T>A

Gene: DMD (dystrophin; minus strand). Cytogenetic location: Xp21.2.
Variant type: single nucleotide variant.
Coding change: c.9224+2T>A on transcript NM_004006.3 (MANE Select); the canonical splice donor site of the intron after coding-DNA position 9224, T replaced by A.
Molecular consequence: splice donor variant.
Genome position (GRCh38, 1-based): chrX:31,323,596, A>T on the plus strand (T>A on the coding strand, the complement: DMD is on the minus strand). VCF-style: chrX-31323596-A-T. GRCh37 (hg19) VCF-style: chrX-31341713-A-T.
Other names: c.9200+2T>A (NM_000109.4); c.5201+2T>A (NM_004011.4); c.5192+2T>A (NM_004012.4); c.1844+2T>A (NM_004023.3, NM_004020.4, NM_004022.3 and 2 more transcripts); c.1037+2T>A (NM_004014.3); c.9212+2T>A (NM_004009.3); c.8855+2T>A (NM_004010.3).
Identifiers: ClinVar variation 1806436 (VCV001806436.1), dbSNP rs2520411944, ClinGen allele CA412651570.
Genomic context (GRCh38, chrX:31,323,596, plus strand): 5'-TTGTGAATATACAGGTTAGTCACAATAAATGCTCTTTTAAAAATGTGATACTTCCAACTT[A>T]CTTGATATAGTAGGGCACTTTGTTTGGCGAGATGGCTCTCTCCCAGGGACCCTGGACAGA-3'